The following is an entry in ClinVar:

ClinVar aggregate classification (germline): Pathogenic/Likely pathogenic. Review status: criteria provided, multiple submitters, no conflicts (2 of 4 stars). 2 submissions from 2 submitters: Pathogenic (1); Likely pathogenic (1). Last evaluated 2024-09-05.

Conditions:
Maple syrup urine disease type 1A (MSUD1A). Also called: MSUD type 1A. Identifiers: MedGen C1855369, MONDO:0023691, OMIM 248600.
Maple syrup urine disease (MSUD). Identifiers: Orphanet 511, MedGen C0024776, MeSH D008375, MONDO:0009563. Disease mechanism: loss of function.

Allele frequency attached by ClinVar (database versions not stated): TOPMed below 0.00001.

Submissions (2):

Labcorp Genetics (formerly Invitae), Labcorp
Classification: Pathogenic for Maple syrup urine disease. Last evaluated: 2024-09-05. Review status: criteria provided, single submitter. Criteria: Invitae Variant Classification Sherloc (09022015). Collection method: clinical testing. Allele origin: germline.
Comment: This sequence change replaces glycine, which is neutral and non-polar, with alanine, which is neutral and non-polar, at codon 218 of the BCKDHA protein (p.Gly218Ala). This variant is not present in population databases (gnomAD no frequency). This missense change has been observed in individual(s) with maple syrup urine disease (internal data). In at least one individual the data is consistent with being in trans (on the opposite chromosome) from a pathogenic variant. ClinVar contains an entry for this variant (Variation ID: 834598). Invitae Evidence Modeling of protein sequence and biophysical properties (such as structural, functional, and spatial information, amino acid conservation, physicochemical variation, residue mobility, and thermodynamic stability) indicates that this missense variant is expected to disrupt BCKDHA protein function with a positive predictive value of 95%. For these reasons, this variant has been classified as Pathogenic.

Illumina Laboratory Services, Illumina
Classification: Likely pathogenic for Maple syrup urine disease type 1A. Last evaluated: 2024-03-27. Review status: criteria provided, single submitter. Criteria: ICSLVariantClassificationCriteria RUGD 01 April 2020. Collection method: clinical testing. Allele origin: unknown.
Comment: The BCKDHA c.653G>C p.(Gly218Ala) missense variant has not, to our knowledge, been reported in the peer-reviewed literature. This variant is located in a hotspot region with two nearby pathogenic / likley pathogenic variants [p.(Ala216Val) and p.(Ala220Val)] (ClinVar). This variant is not observed in version 2.1.1 or version 4.0.0 of the Genome Aggregation Database. Multiple lines of computational evidence suggest the variant may impact the gene or gene product. Based on the available evidence, the c.653G>C p.(Gly218Ala) variant is classified as likely pathogenic for maple syrup urine disease.

NM_000709.4(BCKDHA):c.653G>C (p.Gly218Ala)

Gene: BCKDHA (branched chain keto acid dehydrogenase E1 subunit alpha; plus strand). Cytogenetic location: 19q13.2.
Variant type: single nucleotide variant.
Coding change: c.653G>C on transcript NM_000709.4 (MANE Select); coding-DNA position 653, G replaced by C.
Protein change: p.Gly218Ala; replaces glycine 218 with alanine.
Molecular consequence: missense variant.
Genome position (GRCh38, 1-based): chr19:41,422,170, G>C. VCF-style: chr19-41422170-G-C. GRCh37 (hg19) VCF-style: chr19-41928075-G-C.
Other names: c.653G>C, p.Gly218Ala (NM_001164783.2); short protein forms G218A.
Identifiers: ClinVar variation 834598 (VCV000834598.9), dbSNP rs2039372961, ClinGen allele CA406012671.